The following is an entry in ClinVar:

ClinVar aggregate classification (germline): Pathogenic (1 of 4 stars; one submission).

Submission:

Labcorp Genetics (formerly Invitae), Labcorp
Classification: Pathogenic. Last evaluated: 2022-11-15. Review status: criteria provided, single submitter. Criteria: Invitae Variant Classification Sherloc (09022015). Collection method: clinical testing. Allele origin: germline.
Comment: ClinVar contains an entry for this variant (Variation ID: 1439197). This variant has not been reported in the literature in individuals affected with COL2A1-related conditions. This variant is not present in population databases (gnomAD no frequency). This sequence change creates a premature translational stop signal (p.Gln749*) in the COL2A1 gene. It is expected to result in an absent or disrupted protein product. Loss-of-function variants in COL2A1 are known to be pathogenic (PMID: 20179744). For these reasons, this variant has been classified as Pathogenic.

Literature cited by the submitters: PubMed 20179744.

NM_001844.5(COL2A1):c.2245C>T (p.Gln749Ter)

Gene: COL2A1 (collagen type II alpha 1 chain; minus strand). Cytogenetic location: 12q13.11.
Variant type: single nucleotide variant.
Coding change: c.2245C>T on transcript NM_001844.5 (MANE Select); coding-DNA position 2245, C replaced by T.
Protein change: p.Gln749Ter; replaces glutamine 749 with a stop codon.
Molecular consequence: nonsense.
Genome position (GRCh38, 1-based): chr12:47,982,558, G>A on the plus strand (C>T on the coding strand, the complement: COL2A1 is on the minus strand). VCF-style: chr12-47982558-G-A. GRCh37 (hg19) VCF-style: chr12-48376341-G-A.
Other names: c.2038C>T, p.Gln680Ter (NM_033150.3); short protein forms Q749*, Q680*.
Identifiers: ClinVar variation 1439197 (VCV001439197.6), dbSNP rs2136549115, ClinGen allele CA384546120.